The following is an entry in ClinVar:

NM_004415.4(DSP):c.453C>T (p.Ala151=)

Gene: DSP (desmoplakin; plus strand). Cytogenetic location: 6p24.3.
Variant type: single nucleotide variant.
Coding change: c.453C>T on transcript NM_004415.4 (MANE Select); coding-DNA position 453, C replaced by T.
Protein change: p.Ala151=; no amino-acid change (alanine 151 retained).
Molecular consequence: synonymous variant.
Genome position (GRCh38, 1-based): chr6:7,559,256, C>T. VCF-style: chr6-7559256-C-T. GRCh37 (hg19) VCF-style: chr6-7559489-C-T.
Other names: c.453C>T, p.Ala151= (NM_001008844.3, NM_001319034.2, NM_001406591.1).
Identifiers: ClinVar variation 3069616 (VCV003069616.1), dbSNP rs1758601492, ClinGen allele CA448513394.

ClinVar aggregate classification (germline): Likely benign (1 of 4 stars; one submission).

Conditions:
Arrhythmogenic cardiomyopathy with wooly hair and keratoderma. Also called: Carvajal syndrome; PALMOPLANTAR KERATODERMA WITH LEFT VENTRICULAR CARDIOMYOPATHY AND WOOLLY HAIR; Dilated cardiomyopathy with woolly hair and keratoderma; Arrhythmogenic cardiomyopathy with woolly hair and keratoderma. Identifiers: Orphanet 65282, MedGen C1854063, MONDO:0011581, OMIM 605676.

Submission:

All of Us Research Program, National Institutes of Health
Classification: Likely benign for Arrhythmogenic cardiomyopathy with wooly hair and keratoderma. Last evaluated: 2023-08-15. Review status: criteria provided, single submitter. Criteria: ACMG Guidelines, 2015. Collection method: clinical testing. Allele origin: germline. Inheritance: Autosomal dominant inheritance. Observed: 2 variant alleles, 2 heterozygotes.
Comment: This study involves interpretation of variants in research participants for the purpose of population health screening. Participant phenotype was not available at the time of variant classification. Additional details can be found in publication PMID: 35346344, PMCID: PMC8962531